The following is an entry in ClinVar:

ClinVar aggregate classification (germline): Uncertain significance. Review status: criteria provided, multiple submitters, no conflicts (2 of 4 stars). 6 submissions from 6 submitters: Uncertain significance (6). Last evaluated 2026-02-02.

Conditions:
Cardiac arrhythmia. Also called: Arrhythmia; Cardiac rhythm disease. Identifiers: MedGen C0003811, MONDO:0007263, HP:0011675.
Long QT syndrome (LQTS). Identifiers: MedGen C0023976, MeSH D008133, MONDO:0002442. Disease mechanism: loss of function. Inheritance: Various modes of inheritance.
Cardiovascular phenotype. Identifiers: MedGen CN230736.
Short QT syndrome type 1. Identifiers: Orphanet 51083, MedGen C1865020, MONDO:0012312, OMIM 609620.
Long QT syndrome 2 (LQT2). Identifiers: Orphanet 101016, Orphanet 768, MedGen C3150943, MONDO:0013367, OMIM 613688.

Allele frequency attached by ClinVar (database versions not stated): gnomAD 0.00002.
gnomAD v4.1: 7 of 1,444,882 alleles (0.00048%); highest among the groups gnomAD compares: African/African-American, 0.0042%; no homozygotes.

Submissions (6):

Labcorp Genetics (formerly Invitae), Labcorp
Classification: Uncertain significance for Long QT syndrome. Last evaluated: 2026-02-02. Review status: criteria provided, single submitter. Criteria: Invitae Variant Classification Sherloc (09022015). Collection method: clinical testing. Allele origin: germline.
Comment: This sequence change replaces alanine, which is neutral and non-polar, with serine, which is neutral and polar, at codon 1017 of the KCNH2 protein (p.Ala1017Ser). The frequency data for this variant in the population databases is considered unreliable, as metrics indicate poor data quality at this position in the gnomAD database. This variant has not been reported in the literature in individuals affected with KCNH2-related conditions. ClinVar contains an entry for this variant (Variation ID: 565852). An algorithm developed to predict the effect of missense changes on protein structure and function (PolyPhen-2) suggests that this variant is likely to be tolerated. In summary, the available evidence is currently insufficient to determine the role of this variant in disease. Therefore, it has been classified as a Variant of Uncertain Significance.

Ambry Genetics
Classification: Uncertain significance for Cardiovascular phenotype. Last evaluated: 2025-06-05. Review status: criteria provided, single submitter. Criteria: Ambry Variant Classification Scheme 2023. Collection method: clinical testing. Allele origin: germline.
Comment: The p.A1017S variant (also known as c.3049G>T), located in coding exon 13 of the KCNH2 gene, results from a G to T substitution at nucleotide position 3049. The alanine at codon 1017 is replaced by serine, an amino acid with similar properties. This amino acid position is not well conserved in available vertebrate species. In addition, the in silico prediction for this alteration is inconclusive. Since supporting evidence is limited at this time, the clinical significance of this alteration remains unclear.

All of Us Research Program, National Institutes of Health
Classification: Uncertain significance for Long QT syndrome. Last evaluated: 2023-10-06. Review status: criteria provided, single submitter. Criteria: ACMG Guidelines, 2015. Collection method: clinical testing. Allele origin: germline. Inheritance: Autosomal dominant inheritance. Observed: 2 variant alleles, 2 heterozygotes.
Comment: This missense variant replaces alanine with serine at codon 1017 of the KCNH2 protein. Computational prediction is inconclusive regarding the impact of this variant on protein structure and function (internally defined REVEL score threshold 0.5 < inconclusive < 0.7, PMID: 27666373). This variant is found within a highly conserved C-terminus region (a.a. 843-1159). Rare non-truncating variants in this region have been shown to be significantly overrepresented in individuals with long QT syndrome (PMID: 32893267). To our knowledge, functional studies have not been reported for this variant. This variant has not been reported in individuals affected with cardiovascular disorders in the literature. This variant has been identified in 1/156338 chromosomes in the general population by the Genome Aggregation Database (gnomAD). The available evidence is insufficient to determine the role of this variant in disease conclusively. Therefore, this variant is classified as a Variant of Uncertain Significance.

This study involves interpretation of variants in research participants for the purpose of population health screening. Participant phenotype was not available at the time of variant classification. Additional details can be found in publication PMID: 35346344, PMCID: PMC8962531

Color Diagnostics, LLC DBA Color Health
Classification: Uncertain significance for Cardiac arrhythmia. Last evaluated: 2023-10-01. Review status: criteria provided, single submitter. Criteria: ACMG Guidelines, 2015. Collection method: clinical testing. Allele origin: germline.
Comment: This missense variant replaces alanine with serine at codon 1017 of the KCNH2 protein. Computational prediction is inconclusive regarding the impact of this variant on protein structure and function (internally defined REVEL score threshold 0.5 < inconclusive < 0.7, PMID: 27666373). This variant is found within a highly conserved C-terminus region (a.a. 843-1159). Rare non-truncating variants in this region have been shown to be significantly overrepresented in individuals with long QT syndrome (PMID: 32893267). To our knowledge, functional studies have not been reported for this variant. This variant has not been reported in individuals affected with cardiovascular disorders in the literature. This variant has been identified in 1/156338 chromosomes in the general population by the Genome Aggregation Database (gnomAD). The available evidence is insufficient to determine the role of this variant in disease conclusively. Therefore, this variant is classified as a Variant of Uncertain Significance.

GeneDx
Classification: Uncertain significance. Last evaluated: 2021-12-08. Review status: criteria provided, single submitter. Criteria: GeneDx Variant Classification Process June 2021. Collection method: clinical testing. Allele origin: germline. Affected: yes.
Comment: Has not been previously published as pathogenic or benign to our knowledge; Not observed at significant frequency in large population cohorts (Lek et al., 2016); In silico analysis supports that this missense variant does not alter protein structure/function

Fulgent Genetics
Classification: Uncertain significance for Short QT syndrome type 1; Long QT syndrome 2. Last evaluated: 2021-11-14. Review status: criteria provided, single submitter. Criteria: ACMG Guidelines, 2015. Collection method: clinical testing. Allele origin: unknown.

Literature cited by the submitters: PubMed 32893267 (cited by All of Us Research Program, National Institutes of Health and Color Diagnostics, LLC DBA Color Health).

NM_000238.4(KCNH2):c.3049G>T (p.Ala1017Ser)

Gene: KCNH2 (potassium voltage-gated channel subfamily H member 2; minus strand). Cytogenetic location: 7q36.1.
Variant type: single nucleotide variant.
Coding change: c.3049G>T on transcript NM_000238.4 (MANE Select); coding-DNA position 3049, G replaced by T.
Protein change: p.Ala1017Ser; replaces alanine 1017 with serine.
Molecular consequence: missense variant.
Genome position (GRCh38, 1-based): chr7:150,947,431, C>A on the plus strand (G>T on the coding strand, the complement: KCNH2 is on the minus strand). VCF-style: chr7-150947431-C-A. GRCh37 (hg19) VCF-style: chr7-150644519-C-A.
Other names: c.2029G>T, p.Ala677Ser (NM_172057.3); short protein forms A1017S, A677S.
Identifiers: ClinVar variation 565852 (VCV000565852.23), dbSNP rs950543448, ClinGen allele CA169072043.